The following is an entry in ClinVar:

ClinVar aggregate classification (germline): Benign/Likely benign. Review status: criteria provided, multiple submitters, no conflicts (2 of 4 stars). 4 submissions from 4 submitters: Benign (1); Likely benign (3). Last evaluated 2026-02-04.

Conditions:
Multiple endocrine neoplasia, type 1 (MEN1). Also called: MEN I; WERMER SYNDROME; Endocrine adenomatosis multiple; MEN 1; MEA I. Identifiers: Orphanet 652, MedGen C0025267, MeSH D018761, MONDO:0007540, OMIM 131100.
Hereditary cancer-predisposing syndrome. Also called: Neoplastic Syndromes, Hereditary; Hereditary neoplastic syndrome; Tumor predisposition; Hereditary Cancer Syndrome. Identifiers: Orphanet 140162, MedGen C0027672, MeSH D009386, MONDO:0015356.

Allele frequency attached by ClinVar (database versions not stated): gnomAD exomes below 0.00001.
gnomAD v4.1: 1 of 1,613,990 alleles (0.000062%); highest among the groups gnomAD compares: Non-Finnish European, 0.000085%; no homozygotes.

Submissions (4):

Labcorp Genetics (formerly Invitae), Labcorp
Classification: Likely benign for Multiple endocrine neoplasia, type 1. Last evaluated: 2026-02-04. Review status: criteria provided, single submitter. Criteria: Invitae Variant Classification Sherloc (09022015). Collection method: clinical testing. Allele origin: germline.

Myriad Genetics, Inc.
Classification: Benign for Multiple endocrine neoplasia, type 1. Last evaluated: 2024-10-31. Review status: criteria provided, single submitter. Criteria: Myriad Autosomal Dominant, Autosomal Recessive and X-Linked Classification Criteria (2023). Collection method: clinical testing. Allele origin: unknown.
Comment: This variant is considered benign. This variant is a silent/synonymous amino acid change and it is not expected to impact splicing.

Ambry Genetics
Classification: Likely benign for Hereditary cancer-predisposing syndrome. Last evaluated: 2023-06-11. Review status: criteria provided, single submitter. Criteria: Ambry Variant Classification Scheme 2023. Collection method: clinical testing. Allele origin: germline.

All of Us Research Program, National Institutes of Health
Classification: Likely benign for Multiple endocrine neoplasia, type 1. Last evaluated: 2023-03-09. Review status: criteria provided, single submitter. Criteria: ACMG Guidelines, 2015. Collection method: clinical testing. Allele origin: germline. Inheritance: Autosomal dominant inheritance. Observed: 1 variant allele, 1 heterozygote.
Comment: This study involves interpretation of variants in research participants for the purpose of population health screening. Participant phenotype was not available at the time of variant classification. Additional details can be found in publication PMID: 35346344, PMCID: PMC8962531

NM_001370259.2(MEN1):c.306C>T (p.Asp102=)

Gene: MEN1 (menin 1; minus strand). Cytogenetic location: 11q13.1.
Variant type: single nucleotide variant.
Coding change: c.306C>T on transcript NM_001370259.2 (MANE Select); coding-DNA position 306, C replaced by T.
Protein change: p.Asp102=; no amino-acid change (aspartic acid 102 retained).
Molecular consequence: synonymous variant. On other transcripts: non-coding transcript variant (4).
Genome position (GRCh38, 1-based): chr11:64,809,804, G>A on the plus strand (C>T on the coding strand, the complement: MEN1 is on the minus strand). VCF-style: chr11-64809804-G-A. GRCh37 (hg19) VCF-style: chr11-64577276-G-A.
Other names: c.306C>T, p.Asp102= (NM_000244.4, NM_001370251.2, NM_001370260.2 and 20 more transcripts).
Identifiers: ClinVar variation 1942976 (VCV001942976.9), dbSNP rs1941991134, ClinGen allele CA475163538.